The following is an entry in ClinVar:

ClinVar aggregate classification (germline): Uncertain significance (1 of 4 stars; one submission).

Conditions:
Familial intrahepatic cholestasis. Identifiers: Orphanet 284385, MedGen CN296401, MONDO:0017290.

gnomAD v4.1: 1 of 1,613,738 alleles (0.000062%); highest among the groups gnomAD compares: South Asian, 0.0011%; no homozygotes.

Submission:

Genomenon, Inc
Classification: Uncertain significance for Familial intrahepatic cholestasis. Last evaluated: 2026-04-14. Review status: criteria provided, single submitter. Criteria: Genomenon Sequence Variant Interpretation Standards - Updated. Collection method: curation. Allele origin: germline. Affected: yes.
Comment: ABCB4 p.Gln1174Glu (c.3520C>G) is a missense variant that changes the amino acid at residue 1174 from Glutamine to Glutamic acid. This variant has been observed in at least one proband with an ABCB4-related disorder (PMID:21638239). Functional studies have been reported (PMID:25533467). It is absent or not present at a significant frequency in gnomAD. In conclusion, we classify ABCB4 p.Gln1174Glu (c.3520C>G) as a variant of uncertain significance.

Literature cited by the submitters: PubMed 21638239; PubMed 25533467.

NM_000443.4(ABCB4):c.3520C>G (p.Gln1174Glu)

Gene: ABCB4 (ATP binding cassette subfamily B member 4; minus strand). Cytogenetic location: 7q21.12.
Variant type: single nucleotide variant.
Coding change: c.3520C>G on transcript NM_000443.4 (MANE Select); coding-DNA position 3520, C replaced by G.
Protein change: p.Gln1174Glu; replaces glutamine 1174 with glutamic acid.
Molecular consequence: missense variant.
Genome position (GRCh38, 1-based): chr7:87,403,248, G>C on the plus strand (C>G on the coding strand, the complement: ABCB4 is on the minus strand). VCF-style: chr7-87403248-G-C. GRCh37 (hg19) VCF-style: chr7-87032564-G-C.
Other names: c.3541C>G, p.Gln1181Glu (NM_018849.3); c.3379C>G, p.Gln1127Glu (NM_018850.3); short protein forms Q1127E, Q1174E, Q1181E.
Identifiers: ClinVar variation 4846578 (VCV004846578.1).